The following is an entry in ClinVar:

NM_001113378.2(FANCI):c.1906G>C (p.Glu636Gln)

Gene: FANCI (FA complementation group I; plus strand). Cytogenetic location: 15q26.1.
Variant type: single nucleotide variant.
Coding change: c.1906G>C on transcript NM_001113378.2 (MANE Select); coding-DNA position 1906, G replaced by C.
Protein change: p.Glu636Gln; replaces glutamic acid 636 with glutamine.
Molecular consequence: missense variant.
Genome position (GRCh38, 1-based): chr15:89,291,628, G>C. VCF-style: chr15-89291628-G-C. GRCh37 (hg19) VCF-style: chr15-89834859-G-C.
Other names: c.1627G>C, p.Glu543Gln (NM_001376910.1); c.1906G>C, p.Glu636Gln (NM_001376911.1, NM_018193.3); short protein forms E543Q, E636Q.
Identifiers: ClinVar variation 1018550 (VCV001018550.8), dbSNP rs751777082, ClinGen allele CA7723216.

ClinVar aggregate classification (germline): Uncertain significance (1 of 4 stars; one submission).

Conditions:
Fanconi anemia (FA). Also called: Fanconi's anemia. Identifiers: Orphanet 84, MedGen C0015625, MeSH D005199, MONDO:0019391.

Allele frequency attached by ClinVar (database versions not stated): gnomAD exomes below 0.00001; ExAC 0.00001.
gnomAD v4.1: 1 of 1,613,618 alleles (0.000062%); highest among the groups gnomAD compares: Non-Finnish European, 0.000085%; no homozygotes.

Submission:

Labcorp Genetics (formerly Invitae), Labcorp
Classification: Uncertain significance for Fanconi anemia. Last evaluated: 2020-02-21. Review status: criteria provided, single submitter. Criteria: Invitae Variant Classification Sherloc (09022015). Collection method: clinical testing. Allele origin: germline.
Comment: This sequence change replaces glutamic acid with glutamine at codon 636 of the FANCI protein (p.Glu636Gln). The glutamic acid residue is moderately conserved and there is a small physicochemical difference between glutamic acid and glutamine. This variant is present in population databases (rs751777082, ExAC 0.001%). This variant has not been reported in the literature in individuals with FANCI-related conditions. Algorithms developed to predict the effect of missense changes on protein structure and function are either unavailable or do not agree on the potential impact of this missense change (SIFT: "Tolerated"; PolyPhen-2: "Probably Damaging"; Align-GVGD: "Class C0"). In summary, the available evidence is currently insufficient to determine the role of this variant in disease. Therefore, it has been classified as a Variant of Uncertain Significance.